The following is an entry in ClinVar:

ClinVar aggregate classification (germline): Uncertain significance (1 of 4 stars; one submission).

gnomAD v4.1: 9 of 1,613,160 alleles (0.00056%); highest among the groups gnomAD compares: East Asian, 0.0022%; no homozygotes.

Submission:

Labcorp Genetics (formerly Invitae), Labcorp
Classification: Uncertain significance. Last evaluated: 2025-06-23. Review status: criteria provided, single submitter. Criteria: Invitae Variant Classification Sherloc (09022015). Collection method: clinical testing. Allele origin: germline.
Comment: This sequence change replaces arginine, which is basic and polar, with tryptophan, which is neutral and slightly polar, at codon 432 of the AP3D1 protein (p.Arg432Trp). This variant is present in population databases (rs553672413, gnomAD 0.007%). This variant has not been reported in the literature in individuals affected with AP3D1-related conditions. An algorithm developed to predict the effect of missense changes on protein structure and function (PolyPhen-2) suggests that this variant is likely to be disruptive. In summary, the available evidence is currently insufficient to determine the role of this variant in disease. Therefore, it has been classified as a Variant of Uncertain Significance.

NM_001261826.3(AP3D1):c.1294C>T (p.Arg432Trp)

Gene: AP3D1 (adaptor related protein complex 3 subunit delta 1; minus strand). Cytogenetic location: 19p13.3.
Variant type: single nucleotide variant.
Coding change: c.1294C>T on transcript NM_001261826.3 (MANE Select); coding-DNA position 1294, C replaced by T.
Protein change: p.Arg432Trp; replaces arginine 432 with tryptophan.
Molecular consequence: missense variant.
Genome position (GRCh38, 1-based): chr19:2,121,049, G>A on the plus strand (C>T on the coding strand, the complement: AP3D1 is on the minus strand). VCF-style: chr19-2121049-G-A. GRCh37 (hg19) VCF-style: chr19-2121048-G-A.
Other names: c.1294C>T, p.Arg432Trp (NM_001374799.1, NM_003938.8); short protein forms R432W.
Identifiers: ClinVar variation 4692762 (VCV004692762.1).